The following is an entry in ClinVar:

ClinVar aggregate classification (germline): Uncertain significance (1 of 4 stars; one submission).

Conditions:
Inborn genetic diseases. Identifiers: MedGen C0950123, MeSH D030342.

Submission:

Ambry Genetics
Classification: Uncertain significance for Inborn genetic diseases. Last evaluated: 2024-05-18. Review status: criteria provided, single submitter. Criteria: Ambry Variant Classification Scheme 2023. Collection method: clinical testing. Allele origin: germline.
Comment: The p.V176F variant (also known as c.526G>T), located in coding exon 5 of the EPAS1 gene, results from a G to T substitution at nucleotide position 526. The valine at codon 176 is replaced by phenylalanine, an amino acid with highly similar properties. This amino acid position is conserved. In addition, the in silico prediction for this alteration is inconclusive. Based on the available evidence, the clinical significance of this variant remains unclear.

NM_001430.5(EPAS1):c.526G>T (p.Val176Phe)

Genes: EPAS1 (endothelial PAS domain protein 1; plus strand), LOC126806210 (BRD4-independent group 4 enhancer GRCh37_chr2:46587586-46588785; plus strand). Cytogenetic location: 2p21.
Variant type: single nucleotide variant.
Coding change: c.526G>T on transcript NM_001430.5 (MANE Select); coding-DNA position 526, G replaced by T.
Protein change: p.Val176Phe; replaces valine 176 with phenylalanine.
Molecular consequence: missense variant.
Genome position (GRCh38, 1-based): chr2:46,360,709, G>T. VCF-style: chr2-46360709-G-T. GRCh37 (hg19) VCF-style: chr2-46587848-G-T.
Other names: short protein forms V176F.
Identifiers: ClinVar variation 3275724 (VCV003275724.1).